The following is an entry in ClinVar:

NM_002529.4(NTRK1):c.70G>T (p.Ala24Ser)

Gene: NTRK1 (neurotrophic receptor tyrosine kinase 1; plus strand). Cytogenetic location: 1q23.1.
Variant type: single nucleotide variant.
Coding change: c.70G>T on transcript NM_002529.4 (MANE Select); coding-DNA position 70, G replaced by T.
Protein change: p.Ala24Ser; replaces alanine 24 with serine.
Molecular consequence: missense variant. On other transcripts: intron variant (1).
Genome position (GRCh38, 1-based): chr1:156,861,004, G>T. VCF-style: chr1-156861004-G-T. GRCh37 (hg19) VCF-style: chr1-156830796-G-T.
Other names: c.70G>T, p.Ala24Ser (NM_001012331.2); c.123-3350G>T (NM_001007792.1); short protein forms A24S.
Identifiers: ClinVar variation 1426569 (VCV001426569.5), dbSNP rs886337406, ClinGen allele CA31101047.

ClinVar aggregate classification (germline): Uncertain significance (1 of 4 stars; one submission).

Conditions:
Hereditary insensitivity to pain with anhidrosis (CIPA). Also called: HSAN Type IV; hereditary sensory and autonomic neuropathy type 4; FAMILIAL DYSAUTONOMIA, TYPE II; INSENSITIVITY TO PAIN, CONGENITAL, WITH ANHIDROSIS; NEUROPATHY, CONGENITAL SENSORY, WITH ANHIDROSIS; NTRK1 Congenital Insensitivity to Pain with Anhidrosis. Identifiers: Orphanet 642, MedGen C0020074, MONDO:0009746, OMIM 256800.

Submission:

Labcorp Genetics (formerly Invitae), Labcorp
Classification: Uncertain significance for Hereditary insensitivity to pain with anhidrosis. Last evaluated: 2021-09-01. Review status: criteria provided, single submitter. Criteria: Invitae Variant Classification Sherloc (09022015). Collection method: clinical testing. Allele origin: germline.
Comment: This sequence change replaces alanine with serine at codon 24 of the NTRK1 protein (p.Ala24Ser). The alanine residue is weakly conserved and there is a moderate physicochemical difference between alanine and serine. The frequency data for this variant in the population databases is considered unreliable, as metrics indicate insufficient coverage at this position in the ExAC database. This variant has not been reported in the literature in individuals affected with NTRK1-related conditions. Advanced modeling of protein sequence and biophysical properties (such as structural, functional, and spatial information, amino acid conservation, physicochemical variation, residue mobility, and thermodynamic stability) performed at Invitae indicates that this missense variant is not expected to disrupt NTRK1 protein function. In summary, the available evidence is currently insufficient to determine the role of this variant in disease. Therefore, it has been classified as a Variant of Uncertain Significance.